The following is an entry in ClinVar:

ClinVar aggregate classification (germline): Likely benign. Review status: criteria provided, multiple submitters, no conflicts (2 of 4 stars). 5 submissions from 5 submitters: Likely benign (4). 1 of the submissions does not count toward it. Last evaluated 2025-10-27.

Conditions:
DIABLO-related disorder. Also called: DIABLO-related condition.

Allele frequency attached by ClinVar (database versions not stated): ESP Exome Variant Server 0.00046; gnomAD 0.00076 and 0.00078; gnomAD exomes 0.00077 and 0.00105; 1000 Genomes Project 30x 0.00078; TOPMed 0.00084; 1000 Genomes Project 0.00100; ExAC 0.00109.

Submissions (6):

Labcorp Genetics (formerly Invitae), Labcorp
Classification: Likely benign. Last evaluated: 2025-10-27. Review status: criteria provided, single submitter. Criteria: Invitae Variant Classification Sherloc (09022015). Collection method: clinical testing. Allele origin: germline.

Blueprint Genetics
Classification: Likely benign. Last evaluated: 2024-05-06. Review status: criteria provided, single submitter. Criteria: ACMG Guidelines, 2015. Collection method: clinical testing. Allele origin: germline.

GeneDx
Classification: Likely benign. Last evaluated: 2021-02-22. Review status: criteria provided, single submitter. Criteria: GeneDx Variant Classification Process June 2021. Collection method: clinical testing. Allele origin: germline. Affected: yes.

Laboratory for Molecular Medicine, Mass General Brigham Personalized Medicine
Classification: Likely benign. Last evaluated: 2017-08-03. Review status: criteria provided, single submitter. Criteria: LMM Criteria. Collection method: clinical testing. Allele origin: germline. Observed: 5 variant alleles.
Comment: p.Ala3Gly in exon 2 of DIABLO: This variant is not expected to have clinical sig nificance because it has been identified in various populations with highest fre quencies in 0.16% (54/33120) of Latino chromosomes, 0.12% (12/9630) of Ashkenazi Jewish chromosomes, and 0.11% (107/113660) of European chromosomes by the Genom e Aggregation Database (gnomAD; dbSNP rs20202 8496).

PreventionGenetics, part of Exact Sciences
Classification: Likely benign for DIABLO-related condition. Last evaluated: 2024-02-20. Review status: no assertion criteria provided. Collection method: clinical testing. Allele origin: germline. Not counted in ClinVar's aggregate classification.
Comment: This variant is classified as likely benign based on ACMG/AMP sequence variant interpretation guidelines (Richards et al. 2015 PMID: 25741868, with internal and published modifications).

Dr. Peter K. Rogan Lab, Western University
No classification provided (evidence only). Condition: Malignant tumor of urinary bladder. Review status: no classification provided. Collection method: in vitro. Allele origin: not applicable. Functional consequence: retained intron. Not counted in ClinVar's aggregate classification.

NM_001371333.1(DIABLO):c.8C>G (p.Ala3Gly)

Genes: DIABLO (diablo IAP-binding mitochondrial protein; minus strand), LOC130009040 (ATAC-STARR-seq lymphoblastoid active region 7211; plus strand). Cytogenetic location: 12q24.31.
Variant type: single nucleotide variant.
Coding change: c.8C>G on transcript NM_001371333.1 (MANE Select); coding-DNA position 8, C replaced by G.
Protein change: p.Ala3Gly; replaces alanine 3 with glycine.
Molecular consequence: missense variant. On other transcripts: 5 prime UTR variant (3).
Genome position (GRCh38, 1-based): chr12:122,226,007, G>C on the plus strand (C>G on the coding strand, the complement: DIABLO is on the minus strand). VCF-style: chr12-122226007-G-C. GRCh37 (hg19) VCF-style: chr12-122710554-G-C.
Other names: c.-123C>G (NM_001278302.1, NM_138930.3); c.-79C>G (NM_001278303.1); c.8C>G, p.Ala3Gly (NM_001278342.1, NM_019887.6); short protein forms A3G.
Identifiers: ClinVar variation 227298 (VCV000227298.19), dbSNP rs202028496, ClinGen allele CA6844111.